The following is an entry in ClinVar:

ClinVar aggregate classification (germline): Pathogenic (1 of 4 stars; one submission).

Conditions:
KDM6A-related disorder. Also called: KDM6A-related condition.

Submission:

PreventionGenetics, part of Exact Sciences
Classification: Pathogenic for KDM6A-related condition. Last evaluated: 2023-03-28. Review status: criteria provided, single submitter. Criteria: ACMG Guidelines, 2015. Collection method: clinical testing. Allele origin: germline.
Comment: The KDM6A c.1083_1084delCT variant is predicted to result in premature protein termination (p.Tyr362*). To our knowledge, this variant has not been reported in the literature or in a large population database, indicating this variant is rare. Frameshift variants in KDM6A are expected to be pathogenic. This variant is interpreted as pathogenic.

NM_001291415.2(KDM6A):c.1083_1084del (p.Leu361_Tyr362insTer)

Gene: KDM6A (lysine demethylase 6A; plus strand). Cytogenetic location: Xp11.3.
Variant type: Microsatellite.
Coding change: c.1083_1084del on transcript NM_001291415.2 (MANE Select); coding-DNA positions 1083 to 1084, 2 bases deleted (CT; older notation c.1083_1084delCT).
Protein change: p.Leu361_Tyr362insTer.
Molecular consequence: frameshift variant. On other transcripts: non-coding transcript variant (1).
Genome position (GRCh38, 1-based): chrX:45,059,355-45,059,356, CT deleted; deleting any 2 consecutive bases within chrX:45,059,351-45,059,356 gives the same sequence; the c. name uses the placement nearest the transcript's 3' end. VCF-style (leftmost placement, unchanged base first): chrX-45059350-ACT-A. GRCh37 (hg19) VCF-style: chrX-44918595-ACT-A.
Other names: c.1083_1084del, p.Leu361_Tyr362insTer (NM_001291416.2, NM_001291417.2, NM_001291418.2 and 9 more transcripts); c.330_331del, p.Leu110_Tyr111insTer (NM_001291421.2).
Identifiers: ClinVar variation 2633605 (VCV002633605.1), dbSNP rs2522766989, ClinGen allele CA645601172.